The following is an entry in ClinVar:

ClinVar aggregate classification (germline): Benign/Likely benign. Review status: criteria provided, multiple submitters, no conflicts (2 of 4 stars). 3 submissions from 3 submitters: Benign (1); Likely benign (2). Last evaluated 2025-04-09.

Allele frequency attached by ClinVar (database versions not stated): ExAC 0.00109; 1000 Genomes Project 0.00419; ESP Exome Variant Server 0.00447; 1000 Genomes Project 30x 0.00515.
gnomAD v4.1: 988 of 1,586,656 alleles (0.062%); highest among the groups gnomAD compares: African/African-American, 1.1%; 5 homozygotes.

Submissions (3):

Molecular Diagnostic Laboratory for Inherited Cardiovascular Disease, Montreal Heart Institute
Classification: Benign. Last evaluated: 2025-04-09. Review status: criteria provided, single submitter. Criteria: ACMG Guidelines, 2015. Collection method: clinical testing. Allele origin: germline. Affected: no.

Blueprint Genetics
Classification: Likely benign. Last evaluated: 2024-10-18. Review status: criteria provided, single submitter. Criteria: ACMG Guidelines, 2015. Collection method: clinical testing. Allele origin: germline.

CeGaT Center for Human Genetics Tuebingen
Classification: Likely benign. Last evaluated: 2023-11-01. Review status: criteria provided, single submitter. Criteria: CeGaT Center For Human Genetics Tuebingen Variant Classification Criteria Version 2. Collection method: clinical testing. Allele origin: germline. Affected: yes. Observed: 1 variant allele.
Comment: FHOD3: BP4, BP7, BS1

NM_001281740.3(FHOD3):c.4479G>A (p.Ala1493=)

Gene: FHOD3 (formin homology 2 domain containing 3; plus strand). Cytogenetic location: 18q12.2.
Variant type: single nucleotide variant.
Coding change: c.4479G>A on transcript NM_001281740.3 (MANE Select); coding-DNA position 4479, G replaced by A.
Protein change: p.Ala1493=; no amino-acid change (alanine 1493 retained).
Molecular consequence: synonymous variant.
Genome position (GRCh38, 1-based): chr18:36,760,637, G>A. VCF-style: chr18-36760637-G-A. GRCh37 (hg19) VCF-style: chr18-34340600-G-A.
Other names: c.3879G>A, p.Ala1293= (NM_001281739.3); c.3930G>A, p.Ala1310= (NM_025135.5); c.4479G>A (NM_001281740.2).
Identifiers: ClinVar variation 2672723 (VCV002672723.25), dbSNP rs61565901, ClinGen allele CA8942376.